The following is an entry in ClinVar:

NM_001085487.3(MYSM1):c.2090G>A (p.Arg697Gln)

Gene: MYSM1 (Myb like, SWIRM and MPN domains 1; minus strand). Cytogenetic location: 1p32.1.
Variant type: single nucleotide variant.
Coding change: c.2090G>A on transcript NM_001085487.3 (MANE Select); coding-DNA position 2090, G replaced by A.
Protein change: p.Arg697Gln; replaces arginine 697 with glutamine.
Molecular consequence: missense variant.
Genome position (GRCh38, 1-based): chr1:58,665,573, C>T on the plus strand (G>A on the coding strand, the complement: MYSM1 is on the minus strand). VCF-style: chr1-58665573-C-T. GRCh37 (hg19) VCF-style: chr1-59131245-C-T.
Other names: short protein forms R697Q.
Identifiers: ClinVar variation 1424907 (VCV001424907.4), dbSNP rs770747091, ClinGen allele CA877611.
Genomic context (GRCh38, chr1:58,665,573, plus strand): 5'-GGGCTAATTTCCTCACTTATAACCAGGCAGGTAATCTGAGAATATGGTAAGGGATTATTT[C>T]GATTATAGGGACTAACAATCATCCCAATGAACTTTGCACCTCCTCTGGAGAAGTAACTCT-3'
Protein context (NP_001078956.1, residues 687-707): FIGMIVSPYN[Arg697Gln]NNPLPYSQIT

ClinVar aggregate classification (germline): Uncertain significance (1 of 4 stars; one submission).

Allele frequency attached by ClinVar (database versions not stated): TOPMed 0.00001; gnomAD 0.00002 and 0.00003; gnomAD exomes 0.00002 and 0.00003; ExAC 0.00003.
gnomAD v4.1: 33 of 1,593,202 alleles (0.0021%); highest among the groups gnomAD compares: South Asian, 0.012%; no homozygotes.

Submission:

Labcorp Genetics (formerly Invitae), Labcorp
Classification: Uncertain significance. Last evaluated: 2025-03-18. Review status: criteria provided, single submitter. Criteria: Invitae Variant Classification Sherloc (09022015). Collection method: clinical testing. Allele origin: germline.
Comment: This sequence change replaces arginine, which is basic and polar, with glutamine, which is neutral and polar, at codon 697 of the MYSM1 protein (p.Arg697Gln). This variant is present in population databases (rs770747091, gnomAD 0.02%). This variant has not been reported in the literature in individuals affected with MYSM1-related conditions. ClinVar contains an entry for this variant (Variation ID: 1424907). Invitae Evidence Modeling of protein sequence and biophysical properties (such as structural, functional, and spatial information, amino acid conservation, physicochemical variation, residue mobility, and thermodynamic stability) indicates that this missense variant is not expected to disrupt MYSM1 protein function with a negative predictive value of 80%. In summary, the available evidence is currently insufficient to determine the role of this variant in disease. Therefore, it has been classified as a Variant of Uncertain Significance.